The following is an entry in ClinVar:

ClinVar aggregate classification (germline): Uncertain significance (1 of 4 stars; one submission).

gnomAD v4.1: 4 of 1,576,024 alleles (0.00025%); highest among the groups gnomAD compares: Non-Finnish European, 0.00034%; no homozygotes.

Submission:

Labcorp Genetics (formerly Invitae), Labcorp
Classification: Uncertain significance. Last evaluated: 2022-03-18. Review status: criteria provided, single submitter. Criteria: Invitae Variant Classification Sherloc (09022015). Collection method: clinical testing. Allele origin: germline.
Comment: This sequence change replaces isoleucine, which is neutral and non-polar, with valine, which is neutral and non-polar, at codon 219 of the TSFM protein (p.Ile219Val). This variant is not present in population databases (gnomAD no frequency). This variant has not been reported in the literature in individuals affected with TSFM-related conditions. Algorithms developed to predict the effect of missense changes on protein structure and function (SIFT, PolyPhen-2, Align-GVGD) all suggest that this variant is likely to be tolerated. In summary, the available evidence is currently insufficient to determine the role of this variant in disease. Therefore, it has been classified as a Variant of Uncertain Significance.

NM_005726.6(TSFM):c.592A>G (p.Ile198Val)

Gene: TSFM (Ts translation elongation factor, mitochondrial; plus strand). Cytogenetic location: 12q14.1.
Variant type: single nucleotide variant.
Coding change: c.592A>G on transcript NM_005726.6 (MANE Select); coding-DNA position 592, A replaced by G.
Protein change: p.Ile198Val; replaces isoleucine 198 with valine.
Molecular consequence: missense variant. On other transcripts: stop lost (1), intron variant (1).
Genome position (GRCh38, 1-based): chr12:57,796,197, A>G. VCF-style: chr12-57796197-A-G. GRCh37 (hg19) VCF-style: chr12-58189980-A-G.
Other names: c.504A>G, p.Ter168Trp (NM_001172695.2); c.655A>G, p.Ile219Val (NM_001172696.2); c.571+3124A>G (NM_001172697.2); short protein forms I219V, I198V.
Identifiers: ClinVar variation 1502205 (VCV001502205.3), dbSNP rs1207338485, ClinGen allele CA385529838.